The following is an entry in ClinVar:

ClinVar aggregate classification (germline): Likely benign. Review status: reviewed by expert panel (3 of 4 stars). 5 submissions from 5 submitters: Likely benign (1). 4 of the submissions do not count toward it. Last evaluated 2026-09-01.

Conditions:
DICER1-related tumor predisposition. Also called: DICER1-related pleuropulmonary blastoma cancer predisposition syndrome; DICER1 syndrome. Identifiers: Orphanet 284343, MedGen C3839822, MONDO:0100216.
Hereditary cancer-predisposing syndrome. Also called: Hereditary neoplastic syndrome; Neoplastic Syndromes, Hereditary; Hereditary Cancer Syndrome; Tumor predisposition. Identifiers: Orphanet 140162, MedGen C0027672, MeSH D009386, MONDO:0015356.

Allele frequency attached by ClinVar (database versions not stated): gnomAD exomes 0.00001.
gnomAD v4.1: 8 of 1,614,178 alleles (0.0005%); highest among the groups gnomAD compares: Non-Finnish European, 0.00068%; no homozygotes.

Submissions (5):

ClinGen DICER1 and miRNA-Processing Gene Variant Curation Expert Panel, ClinGen
Classification: Likely benign for DICER1-related tumor predisposition. Last evaluated: 2026-09-01. Review status: reviewed by expert panel. Criteria: ClinGen DICER1 and miRNA-Processing Gene Expert Panel Specifications to the ACMG/AMP Variant Interpretation Guidelines for DICER1 Version 1.4. Collection method: curation. Allele origin: germline. Inheritance: Autosomal dominant inheritance.
Comment: The NM_177438.3(DICER1):c.1080A>G (p.Glu360=) variant is a synonymous (silent) variant that is not predicted to impact splicing by MaxEntScan or SpliceAI (BP4, BP7). Although this variant has been observed in individuals undergoing genetic sequencing, to our knowledge, this variant has not been reported in individuals with DICER1-related tumor predisposition (PS4 not met; Internal lab contributors). The total allele frequency in gnomAD v4.1.1 is 0.000004956 (8/1,614,178 alleles) with a highest population minor allele frequency of 0.0000067 (8/1180042 alleles) in the Non-Finnish European population (PM2_Supporting, BS1, and BA1 are not met). Sequencing of RNA from patients showed that this variant does not affect splicing, indicating that this variant is unlikely to impact protein function (BS3; Internal contributor). In summary, this variant meets the criteria to be classified as Likely Benign for DICER1-related tumor predisposition based on the ACMG/AMP criteria applied, as specified by the ClinGen DICER1 VCEP: BP4, BP7, BS3 (VCEP specifications version 1.4.0) Based on Tavtigian et al 2020 (PMID:32720330), the total points applied = -6, which equates to a classification of LB.

Myriad Genetics, Inc.
Classification: Benign for DICER1-related tumor predisposition. Last evaluated: 2026-04-15. Review status: criteria provided, single submitter. Criteria: Myriad Autosomal Dominant, Autosomal Recessive and X-Linked Classification Criteria (2023). Collection method: clinical testing. Allele origin: unknown. Not counted in ClinVar's aggregate classification.
Comment: This variant is considered benign. This variant is a silent/synonymous amino acid change and it is not expected to impact splicing.

Labcorp Genetics (formerly Invitae), Labcorp
Classification: Likely benign for DICER1-related tumor predisposition. Last evaluated: 2025-07-16. Review status: criteria provided, single submitter. Criteria: Invitae Variant Classification Sherloc (09022015). Collection method: clinical testing. Allele origin: germline. Not counted in ClinVar's aggregate classification.

Ambry Genetics
Classification: Likely benign for Hereditary cancer-predisposing syndrome. Last evaluated: 2019-11-03. Review status: criteria provided, single submitter. Criteria: Ambry Variant Classification Scheme 2023. Collection method: clinical testing. Allele origin: germline. Not counted in ClinVar's aggregate classification.

Illumina Laboratory Services, Illumina
Classification: Uncertain significance for Pleuropulmonary blastoma. Last evaluated: 2018-01-13. Review status: criteria provided, single submitter. Criteria: ICSL Variant Classification Criteria 13 December 2019. Collection method: clinical testing. Allele origin: germline. Not counted in ClinVar's aggregate classification.

NM_177438.3(DICER1):c.1080A>G (p.Glu360=)

Gene: DICER1 (dicer 1, ribonuclease III; minus strand). Cytogenetic location: 14q32.13.
Variant type: single nucleotide variant.
Coding change: c.1080A>G on transcript NM_177438.3 (MANE Select); coding-DNA position 1080, A replaced by G.
Protein change: p.Glu360=; no amino-acid change (glutamic acid 360 retained).
Molecular consequence: synonymous variant.
Genome position (GRCh38, 1-based): chr14:95,124,492, T>C on the plus strand (A>G on the coding strand, the complement: DICER1 is on the minus strand). VCF-style: chr14-95124492-T-C. GRCh37 (hg19) VCF-style: chr14-95590829-T-C.
Other names: NM_177438.3(DICER1):c.1080A>G; p.Glu360=; c.1080A>G, p.Glu360= (NM_001195573.1, NM_001271282.3, NM_001291628.2 and 1 more transcripts).
Identifiers: ClinVar variation 315110 (VCV000315110.19), dbSNP rs886050943, ClinGen allele CA10641413.